The following is an entry in ClinVar:

NM_014365.3(HSPB8):c.319C>T (p.Pro107Ser)

Gene: HSPB8 (heat shock protein family B (small) member 8; plus strand). Cytogenetic location: 12q24.23.
Variant type: single nucleotide variant.
Coding change: c.319C>T on transcript NM_014365.3 (MANE Select); coding-DNA position 319, C replaced by T.
Protein change: p.Pro107Ser; replaces proline 107 with serine.
Molecular consequence: missense variant.
Genome position (GRCh38, 1-based): chr12:119,179,631, C>T. VCF-style: chr12-119179631-C-T. GRCh37 (hg19) VCF-style: chr12-119617436-C-T.
Other names: short protein forms P107S.
Identifiers: ClinVar variation 216678 (VCV000216678.9), dbSNP rs146000958, ClinGen allele CA337226.

ClinVar aggregate classification (germline): Uncertain significance. Review status: criteria provided, multiple submitters, no conflicts (2 of 4 stars). 3 submissions from 3 submitters: Uncertain significance (3). Last evaluated 2026-09-08.

Conditions:
HSPB8-related disorder. Also called: HSPB8-related condition.
Inborn genetic diseases. Identifiers: MedGen C0950123, MeSH D030342.
Charcot-Marie-Tooth disease axonal type 2L. Also called: Charcot-Marie-Tooth Neuropathy Type 2L; CHARCOT-MARIE-TOOTH DISEASE, AXONAL, AUTOSOMAL DOMINANT, TYPE 2L; CHARCOT-MARIE-TOOTH NEUROPATHY, AXONAL, TYPE 2L. Identifiers: Orphanet 99945, MedGen C1837552, MONDO:0012096, OMIM 608673.

Allele frequency attached by ClinVar (database versions not stated): gnomAD 0.00003; TOPMed 0.00003; ESP Exome Variant Server 0.00008.
gnomAD v4.1: 42 of 1,596,528 alleles (0.0026%); highest among the groups gnomAD compares: Non-Finnish European, 0.0033%; no homozygotes.

Submissions (3):

PreventionGenetics, part of Exact Sciences
Classification: Uncertain significance for HSPB8-related condition. Last evaluated: 2026-09-08. Review status: criteria provided, single submitter. Criteria: ACMG Guidelines, 2015. Collection method: clinical testing. Allele origin: germline.
Comment: The HSPB8 c.319C>T variant is predicted to result in the amino acid substitution p.Pro107Ser. To our knowledge, this variant has not been reported in the literature. This variant is reported in 0.0032% of alleles in individuals of European (non-Finnish) descent in gnomAD. At this time, the clinical significance of this variant is uncertain due to the absence of conclusive functional and genetic evidence.

Labcorp Genetics (formerly Invitae), Labcorp
Classification: Uncertain significance for Charcot-Marie-Tooth disease axonal type 2L. Last evaluated: 2025-09-13. Review status: criteria provided, single submitter. Criteria: Invitae Variant Classification Sherloc (09022015). Collection method: clinical testing. Allele origin: germline.
Comment: This sequence change replaces proline, which is neutral and non-polar, with serine, which is neutral and polar, at codon 107 of the HSPB8 protein (p.Pro107Ser). This variant is present in population databases (rs146000958, gnomAD 0.002%). This variant has not been reported in the literature in individuals affected with HSPB8-related conditions. ClinVar contains an entry for this variant (Variation ID: 216678). An algorithm developed to predict the effect of missense changes on protein structure and function (PolyPhen-2) suggests that this variant is likely to be disruptive. In summary, the available evidence is currently insufficient to determine the role of this variant in disease. Therefore, it has been classified as a Variant of Uncertain Significance.

Ambry Genetics
Classification: Uncertain significance for Inborn genetic diseases. Last evaluated: 2024-11-13. Review status: criteria provided, single submitter. Criteria: Ambry Variant Classification Scheme 2023. Collection method: clinical testing. Allele origin: germline.